The following is an entry in ClinVar:

NM_018942.3(HMX1):c.771G>C (p.Lys257Asn)

Gene: HMX1 (H6 family homeobox 1; minus strand). Cytogenetic location: 4p16.1.
Variant type: single nucleotide variant.
Coding change: c.771G>C on transcript NM_018942.3 (MANE Select); coding-DNA position 771, G replaced by C.
Protein change: p.Lys257Asn; replaces lysine 257 with asparagine.
Molecular consequence: missense variant. On other transcripts: intron variant (1).
Genome position (GRCh38, 1-based): chr4:8,867,969, C>G on the plus strand (G>C on the coding strand, the complement: HMX1 is on the minus strand). VCF-style: chr4-8867969-C-G. GRCh37 (hg19) VCF-style: chr4-8869695-C-G.
Other names: c.394+3252G>C (NM_001306142.2); short protein forms K257N.
Identifiers: ClinVar variation 1405329 (VCV001405329.8), dbSNP rs777333801, ClinGen allele CA356277850.

ClinVar aggregate classification (germline): Uncertain significance (1 of 4 stars; one submission).

gnomAD v4.1: 1 of 1,532,174 alleles (0.000065%); highest among the groups gnomAD compares: Non-Finnish European, 0.000088%; no homozygotes.

Submission:

Labcorp Genetics (formerly Invitae), Labcorp
Classification: Uncertain significance. Last evaluated: 2021-07-13. Review status: criteria provided, single submitter. Criteria: Invitae Variant Classification Sherloc (09022015). Collection method: clinical testing. Allele origin: germline.
Comment: This sequence change replaces lysine with asparagine at codon 257 of the HMX1 protein (p.Lys257Asn). The lysine residue is highly conserved and there is a moderate physicochemical difference between lysine and asparagine. The frequency data for this variant in the population databases is considered unreliable, as metrics indicate insufficient coverage at this position in the ExAC database. This variant has not been reported in the literature in individuals affected with HMX1-related conditions. Algorithms developed to predict the effect of missense changes on protein structure and function (SIFT, PolyPhen-2, Align-GVGD) all suggest that this variant is likely to be disruptive. In summary, the available evidence is currently insufficient to determine the role of this variant in disease. Therefore, it has been classified as a Variant of Uncertain Significance.